The following is an entry in ClinVar:

ClinVar aggregate classification (germline): Likely benign. Review status: criteria provided, multiple submitters, no conflicts (2 of 4 stars). 2 submissions from 2 submitters: Likely benign (2). Last evaluated 2025-06-09.

Conditions:
HGF-related disorder. Also called: HGF-related condition.

Allele frequency attached by ClinVar (database versions not stated): TOPMed 0.00006; gnomAD 0.00007 and 0.00011; gnomAD exomes 0.00009 and 0.00011; ExAC 0.00012; 1000 Genomes Project 30x 0.00062; 1000 Genomes Project 0.00080.
gnomAD v4.1: 177 of 1,611,776 alleles (0.011%); highest among the groups gnomAD compares: East Asian, 0.28%; 2 homozygotes.

Submissions (2):

PreventionGenetics, part of Exact Sciences
Classification: Likely benign for HGF-related condition. Last evaluated: 2025-06-09. Review status: criteria provided, single submitter. Criteria: ACMG Guidelines, 2015. Collection method: clinical testing. Allele origin: germline.
Comment: This variant is classified as likely benign based on ACMG/AMP sequence variant interpretation guidelines (Richards et al. 2015 PMID: 25741868, with internal and published modifications).

Labcorp Genetics (formerly Invitae), Labcorp
Classification: Likely benign. Last evaluated: 2025-06-04. Review status: criteria provided, single submitter. Criteria: Invitae Variant Classification Sherloc (09022015). Collection method: clinical testing. Allele origin: germline.

NM_000601.6(HGF):c.1662C>T (p.His554=)

Gene: HGF (hepatocyte growth factor; minus strand). Cytogenetic location: 7q21.11.
Variant type: single nucleotide variant.
Coding change: c.1662C>T on transcript NM_000601.6 (MANE Select); coding-DNA position 1662, C replaced by T.
Protein change: p.His554=; no amino-acid change (histidine 554 retained).
Molecular consequence: synonymous variant.
Genome position (GRCh38, 1-based): chr7:81,706,382, G>A on the plus strand (C>T on the coding strand, the complement: HGF is on the minus strand). VCF-style: chr7-81706382-G-A. GRCh37 (hg19) VCF-style: chr7-81335698-G-A.
Other names: c.1647C>T, p.His549= (NM_001010932.3).
Identifiers: ClinVar variation 748691 (VCV000748691.7), dbSNP rs148098479, ClinGen allele CA4316829.
Genomic context (GRCh38, chr7:81,706,382, plus strand): 5'-AGGGCCATATACCAGCTGGGAAACATTGAGAACCTGTTTGCATTTCTCATCTCCTCTTCC[G>A]TGGACATCATGAATTCCAAGCCAAGCTTCATAATCTTTCAAGTCTCTGTTTTGAAGGAAA-3'
Protein context (NP_000592.3, residues 544-564): YEAWLGIHDV[His554=]GRGDEKCKQV